The following is an entry in ClinVar:

NM_004999.4(MYO6):c.3185C>G (p.Ala1062Gly)

Gene: MYO6 (myosin VI; plus strand). Cytogenetic location: 6q14.1.
Variant type: single nucleotide variant.
Coding change: c.3185C>G on transcript NM_004999.4 (MANE Select); coding-DNA position 3185, C replaced by G.
Protein change: p.Ala1062Gly; replaces alanine 1062 with glycine.
Molecular consequence: missense variant. On other transcripts: non-coding transcript variant (1).
Genome position (GRCh38, 1-based): chr6:75,907,613, C>G. VCF-style: chr6-75907613-C-G. GRCh37 (hg19) VCF-style: chr6-76617330-C-G.
Other names: c.3116C>G, p.Ala1039Gly (NM_001300899.2, NM_001368136.1); c.3173C>G, p.Ala1058Gly (NM_001368137.1); c.3101C>G, p.Ala1034Gly (NM_001368138.1); c.3212C>G, p.Ala1071Gly (NM_001368865.1, NM_001368866.1); short protein forms A1062G, A1034G, A1058G, A1071G, A1039G.
Identifiers: ClinVar variation 2374517 (VCV002374517.5), dbSNP rs776663566, ClinGen allele CA3897631.

ClinVar aggregate classification (germline): Uncertain significance. Review status: criteria provided, multiple submitters, no conflicts (2 of 4 stars). 3 submissions from 3 submitters: Uncertain significance (3). Last evaluated 2026-01-10.

Conditions:
Inborn genetic diseases. Identifiers: MedGen C0950123, MeSH D030342.
MYO6-related disorder. Also called: MYO6-related disorders; MYO6-related condition.

Allele frequency attached by ClinVar (database versions not stated): ExAC 0.00001; gnomAD exomes 0.00002; TOPMed 0.00002; gnomAD 0.00003.
gnomAD v4.1: 29 of 1,611,834 alleles (0.0018%); highest among the groups gnomAD compares: African/African-American, 0.0027%; no homozygotes.

Submissions (3):

PreventionGenetics, part of Exact Sciences
Classification: Uncertain significance for MYO6-related condition. Last evaluated: 2026-01-10. Review status: criteria provided, single submitter. Criteria: ACMG Guidelines, 2015. Collection method: clinical testing. Allele origin: germline.
Comment: The MYO6 c.3185C>G variant is predicted to result in the amino acid substitution p.Ala1062Gly. To our knowledge, this variant has not been reported in the literature. This variant is reported in 0.0040% of alleles in individuals of African descent in gnomAD. At this time, the clinical significance of this variant is uncertain due to the absence of conclusive functional and genetic evidence.

Ambry Genetics
Classification: Uncertain significance for Inborn genetic diseases. Last evaluated: 2025-08-08. Review status: criteria provided, single submitter. Criteria: Ambry Variant Classification Scheme 2023. Collection method: clinical testing. Allele origin: germline.

Labcorp Genetics (formerly Invitae), Labcorp
Classification: Uncertain significance. Last evaluated: 2025-07-21. Review status: criteria provided, single submitter. Criteria: Invitae Variant Classification Sherloc (09022015). Collection method: clinical testing. Allele origin: germline.
Comment: This sequence change replaces alanine, which is neutral and non-polar, with glycine, which is neutral and non-polar, at codon 1062 of the MYO6 protein (p.Ala1062Gly). This variant is present in population databases (rs776663566, gnomAD 0.004%). This variant has not been reported in the literature in individuals affected with MYO6-related conditions. ClinVar contains an entry for this variant (Variation ID: 2374517). Invitae Evidence Modeling of protein sequence and biophysical properties (such as structural, functional, and spatial information, amino acid conservation, physicochemical variation, residue mobility, and thermodynamic stability) indicates that this missense variant is not expected to disrupt MYO6 protein function with a negative predictive value of 80%. In summary, the available evidence is currently insufficient to determine the role of this variant in disease. Therefore, it has been classified as a Variant of Uncertain Significance.